The following is an entry in ClinVar:

ClinVar aggregate classification (germline): Uncertain significance (1 of 4 stars; one submission).

Submission:

GeneDx
Classification: Uncertain significance. Last evaluated: 2025-01-02. Review status: criteria provided, single submitter. Criteria: GeneDx Variant Classification Process June 2021. Collection method: clinical testing. Allele origin: germline. Affected: yes.
Comment: Not observed at significant frequency in large population cohorts (gnomAD); In silico analysis indicates that this missense variant does not alter protein structure/function; Has not been previously published as pathogenic or benign to our knowledge

NM_015898.4(ZBTB7A):c.1720G>C (p.Ala574Pro)

Gene: ZBTB7A (zinc finger and BTB domain containing 7A; minus strand). Cytogenetic location: 19p13.3.
Variant type: single nucleotide variant.
Coding change: c.1720G>C on transcript NM_015898.4 (MANE Select); coding-DNA position 1720, G replaced by C.
Protein change: p.Ala574Pro; replaces alanine 574 with proline.
Molecular consequence: missense variant.
Genome position (GRCh38, 1-based): chr19:4,047,787, C>G on the plus strand (G>C on the coding strand, the complement: ZBTB7A is on the minus strand). VCF-style: chr19-4047787-C-G. GRCh37 (hg19) VCF-style: chr19-4047785-C-G.
Other names: c.1720G>C, p.Ala574Pro (NM_001317990.2); short protein forms A574P.
Identifiers: ClinVar variation 4055839 (VCV004055839.1).
Genomic context (GRCh38, chr19:4,047,787, plus strand): 5'-GGTTTCTGTTTTCTCTTTTTGGTTTTTAGGCGAGTCCGGCTGTGAAGTTACCGTCGGTGG[C>G]GGCCCCGGGGCCACCTCCGCTGTCACCTCCTCCACCGGCGCCCGCTACATTCAACCGGCC-3'
Protein context (NP_056982.1, residues 564-584): GGDSGGGPGA[Ala574Pro]TDGNFTAGLA